The following is an entry in ClinVar:

ClinVar aggregate classification (germline): Uncertain significance (1 of 4 stars; one submission).

Allele frequency attached by ClinVar (database versions not stated): TOPMed 0.00002; gnomAD 0.00003; gnomAD exomes 0.00004; ExAC 0.00010.
gnomAD v4.1: 67 of 1,610,700 alleles (0.0042%); highest among the groups gnomAD compares: South Asian, 0.023%; no homozygotes.

Submission:

GeneDx
Classification: Uncertain significance. Last evaluated: 2023-03-01. Review status: criteria provided, single submitter. Criteria: GeneDx Variant Classification Process June 2021. Collection method: clinical testing. Allele origin: germline. Affected: yes.
Comment: In silico analysis supports that this missense variant has a deleterious effect on protein structure/function; Reported in an individual with West syndrome in published literature, however this individual also harbored variants in several other genes (Peng et al., 2018); This variant is associated with the following publications: (PMID: 29667327)

NM_001813.3(CENPE):c.7603G>A (p.Gly2535Ser)

Gene: CENPE (centromere protein E; minus strand). Cytogenetic location: 4q24.
Variant type: single nucleotide variant.
Coding change: c.7603G>A on transcript NM_001813.3 (MANE Select); coding-DNA position 7603, G replaced by A.
Protein change: p.Gly2535Ser; replaces glycine 2535 with serine.
Molecular consequence: missense variant.
Genome position (GRCh38, 1-based): chr4:103,110,949, C>T on the plus strand (G>A on the coding strand, the complement: CENPE is on the minus strand). VCF-style: chr4-103110949-C-T. GRCh37 (hg19) VCF-style: chr4-104032106-C-T.
Other names: c.7240G>A, p.Gly2414Ser (NM_001286734.2); short protein forms G2414S, G2535S.
Identifiers: ClinVar variation 2578260 (VCV002578260.1), dbSNP rs756483643, ClinGen allele CA3029095.